The following is an entry in ClinVar:

NM_000548.5(TSC2):c.4615del (p.Ser1539fs)

Gene: TSC2 (TSC complex subunit 2; plus strand). Cytogenetic location: 16p13.3.
Variant type: Deletion.
Coding change: c.4615del on transcript NM_000548.5 (MANE Select); coding-DNA position 4615, one base deleted (T; older notation c.4615delT).
Protein change: p.Ser1539fs; shifts the reading frame from serine 1539.
Molecular consequence: frameshift variant. On other transcripts: non-coding transcript variant (5).
Genome position (GRCh38, 1-based): chr16:2,085,275, T deleted. VCF-style (leftmost placement, unchanged base first): chr16-2085274-AT-A. GRCh37 (hg19) VCF-style: chr16-2135275-AT-A.
Other names: c.4414del, p.Ser1472fs (NM_001077183.3); c.4546del, p.Ser1516fs (NM_001114382.3); c.4306del, p.Ser1436fs (NM_001318827.2); c.4270del, p.Ser1424fs (NM_001318829.2); c.3883del, p.Ser1295fs (NM_001318831.2); c.4447del, p.Ser1483fs (NM_001318832.2); c.4402del, p.Ser1468fs (NM_001406673.1); c.4399del, p.Ser1467fs (NM_001406675.1); and 26 more; short protein forms S1047fs, S1048fs, S1316fs, S1435fs, S1436fs, S1453fs, S1466fs, S1467fs.
Identifiers: ClinVar variation 4823974 (VCV004823974.1).
Genomic context (GRCh38, chr16:2,085,274, plus strand): 5'-GCTCTGTGTGCCACAGTCACAGTCCTTTGAGCGGTCGGTGCAGCTCCTCGACCAGATCCC[AT>A]CATACGACACCCACAAGATCGCCGTCCTGTATGTTGGAGAAGGCCAGGTGAGGCTGCGGG-3'

ClinVar aggregate classification (germline): Pathogenic (1 of 4 stars; one submission).

Conditions:
Hereditary cancer-predisposing syndrome. Also called: Neoplastic Syndromes, Hereditary; Hereditary neoplastic syndrome; Tumor predisposition; Hereditary Cancer Syndrome. Identifiers: Orphanet 140162, MedGen C0027672, MeSH D009386, MONDO:0015356.

Submission:

Ambry Genetics
Classification: Pathogenic for Hereditary cancer-predisposing syndrome. Last evaluated: 2026-03-02. Review status: criteria provided, single submitter. Criteria: Ambry Variant Classification Scheme 2023. Collection method: clinical testing. Allele origin: germline.
Comment: The c.4615delT pathogenic mutation, located in coding exon 35 of the TSC2 gene, results from a deletion of one nucleotide at nucleotide position 4615, causing a translational frameshift with a predicted alternate stop codon (p.S1539Hfs*37). This variant is considered to be rare based on population cohorts in the Genome Aggregation Database (gnomAD). This alteration is expected to result in loss of function by premature protein truncation or nonsense-mediated mRNA decay. As such, this alteration is interpreted as a disease-causing mutation.